The following is an entry in ClinVar:

NM_177531.6(PKHD1L1):c.2272A>G (p.Ile758Val)

Gene: PKHD1L1 (PKHD1 like 1; plus strand). Cytogenetic location: 8q23.1.
Variant type: single nucleotide variant.
Coding change: c.2272A>G on transcript NM_177531.6 (MANE Select); coding-DNA position 2272, A replaced by G.
Protein change: p.Ile758Val; replaces isoleucine 758 with valine.
Molecular consequence: missense variant.
Genome position (GRCh38, 1-based): chr8:109,413,457, A>G. VCF-style: chr8-109413457-A-G. GRCh37 (hg19) VCF-style: chr8-110425686-A-G.
Other names: short protein forms I758V.
Identifiers: ClinVar variation 3772340 (VCV003772340.13).

ClinVar aggregate classification (germline): Uncertain significance (1 of 4 stars; one submission).

gnomAD v4.1: 1 of 1,575,548 alleles (0.000063%); highest among the groups gnomAD compares: Non-Finnish European, 0.000086%; no homozygotes.

Submission:

CeGaT Center for Human Genetics Tuebingen
Classification: Uncertain significance. Last evaluated: 2025-01-01. Review status: criteria provided, single submitter. Criteria: CeGaT Center For Human Genetics Tuebingen Variant Classification Criteria Version 2. Collection method: clinical testing. Allele origin: germline. Affected: yes. Observed: 1 variant allele.
Comment: PKHD1L1: PM2, BP4